The following is an entry in ClinVar:

NM_001136157.2(OTUD5):c.655A>G (p.Lys219Glu)

Gene: OTUD5 (OTU deubiquitinase 5; minus strand). Cytogenetic location: Xp11.23.
Variant type: single nucleotide variant.
Coding change: c.655A>G on transcript NM_001136157.2 (MANE Select); coding-DNA position 655, A replaced by G.
Protein change: p.Lys219Glu; replaces lysine 219 with glutamic acid.
Molecular consequence: missense variant.
Genome position (GRCh38, 1-based): chrX:48,944,223, T>C on the plus strand (A>G on the coding strand, the complement: OTUD5 is on the minus strand). VCF-style: chrX-48944223-T-C. GRCh37 (hg19) VCF-style: chrX-48801484-T-C.
Other names: p.Lys219Glu; c.655A>G, p.Lys219Glu (NM_001136158.2, NM_017602.4); c.4A>G, p.Lys2Glu (NM_001136159.2); short protein forms K219E, K2E.
Identifiers: ClinVar variation 1801720 (VCV001801720.3), dbSNP rs1557051822, ClinGen allele CA412915461.

ClinVar aggregate classification (germline): Uncertain significance (1 of 4 stars; one submission).

Conditions:
Multiple congenital anomalies-neurodevelopmental syndrome, X-linked. Also called: LINKED SYNDROME. Identifiers: MedGen C5542341, MONDO:0025351, OMIM 301056.

Allele frequency attached by ClinVar (database versions not stated): gnomAD exomes below 0.00001.
gnomAD v4.1: 1 of 1,207,425 alleles (0.000083%); highest among the groups gnomAD compares: Non-Finnish European, 0.00011%; no homozygotes.

Submission:

Foundation for Research in Genetics and Endocrinology, FRIGE's Institute of Human Genetics
Classification: Uncertain significance for Multiple congenital anomalies-neurodevelopmental syndrome, X-linked. Last evaluated: 2022-11-17. Review status: criteria provided, single submitter. Criteria: ACMG Guidelines, 2015. Collection method: clinical testing. Allele origin: germline. Inheritance: X-linked recessive inheritance. Affected: yes. Observed: 1 heterozygote.
Comment: A heterozygous missense variation in exon 2 of the OTUD5 gene that results in the amino acid substitution of Glutamic acid for Lysine at codon 219 was detected . This variant has not been reported in the 1000 genomes, gnomAD databases. The insilico predictions of the variant is damaging by LRT. The reference codon is conserved across species. In summary, the variant meets our criteria to be classified as a variant of uncertain significance.